The following is an entry in ClinVar:

NM_002528.7(NTHL1):c.674T>C (p.Val225Ala)

Gene: NTHL1 (nth like DNA glycosylase 1; minus strand). Cytogenetic location: 16p13.3.
Variant type: single nucleotide variant.
Coding change: c.674T>C on transcript NM_002528.7 (MANE Select); coding-DNA position 674, T replaced by C.
Protein change: p.Val225Ala; replaces valine 225 with alanine.
Molecular consequence: missense variant.
Genome position (GRCh38, 1-based): chr16:2,043,578, A>G on the plus strand (T>C on the coding strand, the complement: NTHL1 is on the minus strand). VCF-style: chr16-2043578-A-G. GRCh37 (hg19) VCF-style: chr16-2093579-A-G.
Other names: c.503T>C, p.Val168Ala (NM_001318193.2); c.344T>C, p.Val115Ala (NM_001318194.2); c.698T>C (NM_002528.5); short protein forms V115A, V168A, V225A.
Identifiers: ClinVar variation 1512932 (VCV001512932.7), dbSNP rs2150941146, ClinGen allele CA394290863.
Genomic context (GRCh38, chr16:2,043,578, plus strand): 5'-CCCAAGAGCAGCCAGTGGGCTGGAGCCAGCCCCGCCCTCCTCTACTCACCAATGCCTGAC[A>G]CAGTGCCCCAGGCCACAGCCATAGCCAGGTGTGCCATCTTGGGCCCAACACCCGGCAGCG-3'
Protein context (NP_002519.2, residues 215-235): HLAMAVAWGT[Val225Ala]SGIAVDTHVH

ClinVar aggregate classification (germline): Uncertain significance. Review status: criteria provided, multiple submitters, no conflicts (2 of 4 stars). 2 submissions from 2 submitters: Uncertain significance (2). Last evaluated 2026-07-07.

Conditions:
Hereditary cancer-predisposing syndrome. Also called: Hereditary Cancer Syndrome; Tumor predisposition; Neoplastic Syndromes, Hereditary; Hereditary neoplastic syndrome. Identifiers: Orphanet 140162, MedGen C0027672, MeSH D009386, MONDO:0015356.

Submissions (2):

Ambry Genetics
Classification: Uncertain significance for Hereditary cancer-predisposing syndrome. Last evaluated: 2026-07-07. Review status: criteria provided, single submitter. Criteria: Ambry Variant Classification Scheme 2023. Collection method: clinical testing. Allele origin: germline.
Comment: The p.V233A variant (also known as c.698T>C), located in coding exon 4 of the NTHL1 gene, results from a T to C substitution at nucleotide position 698. The valine at codon 233 is replaced by alanine, an amino acid with similar properties. This amino acid position is conserved. In addition, the in silico prediction for this alteration is inconclusive. Based on the available evidence, the clinical significance of this variant remains unclear.

Labcorp Genetics (formerly Invitae), Labcorp
Classification: Uncertain significance. Last evaluated: 2025-08-31. Review status: criteria provided, single submitter. Criteria: Invitae Variant Classification Sherloc (09022015). Collection method: clinical testing. Allele origin: germline.
Comment: This sequence change replaces valine, which is neutral and non-polar, with alanine, which is neutral and non-polar, at codon 233 of the NTHL1 protein (p.Val233Ala). This variant is not present in population databases (gnomAD no frequency). This variant has not been reported in the literature in individuals affected with NTHL1-related conditions. ClinVar contains an entry for this variant (Variation ID: 1512932). An algorithm developed to predict the effect of missense changes on protein structure and function (PolyPhen-2) suggests that this variant is likely to be tolerated. In summary, the available evidence is currently insufficient to determine the role of this variant in disease. Therefore, it has been classified as a Variant of Uncertain Significance.